The following is an entry in ClinVar:

ClinVar aggregate classification (germline): Pathogenic/Likely pathogenic. Review status: criteria provided, multiple submitters, no conflicts (2 of 4 stars). 4 submissions from 4 submitters: Pathogenic (1); Likely pathogenic (2). 1 of the submissions does not count toward it. Last evaluated 2023-11-01.

Conditions:
ELOVL4-related disorder. Also called: ELOVL4-related condition; ELOVL4-related disorders.
Ichthyosis, spastic quadriplegia, and impaired intellectual development. Also called: Congenital ichthyosis-intellectual disability-spastic quadriplegia syndrome. Identifiers: Orphanet 352333, MedGen C3280856, MONDO:0013760, OMIM 614457.

Allele frequency attached by ClinVar (database versions not stated): gnomAD exomes below 0.00001 and 0.00001; TOPMed 0.00001; gnomAD 0.00001.

Submissions (4):

GeneDx
Classification: Likely pathogenic. Last evaluated: 2023-11-01. Review status: criteria provided, single submitter. Criteria: GeneDx Variant Classification Process June 2021. Collection method: clinical testing. Allele origin: germline. Affected: yes.
Comment: Nonsense variant predicted to result in protein truncation, as the last 99 amino acids are lost, and other loss-of-function variants have been reported downstream in HGMD; Not observed at significant frequency in large population cohorts (gnomAD); This variant is associated with the following publications: (PMID: 26010696, 22100072, 24571530, 26427403, 33556440, 31616255, 37568198, 37592902, 30982505)

Labcorp Genetics (formerly Invitae), Labcorp
Classification: Pathogenic. Last evaluated: 2022-07-16. Review status: criteria provided, single submitter. Criteria: Invitae Variant Classification Sherloc (09022015). Collection method: clinical testing. Allele origin: germline.
Comment: For these reasons, this variant has been classified as Pathogenic. This variant disrupts a region of the ELOVL4 protein in which other variant(s) (p.Asn264Leufs*9) have been determined to be pathogenic (PMID: 11138005, 23509295, 24833735). This suggests that this is a clinically significant region of the protein, and that variants that disrupt it are likely to be disease-causing. ClinVar contains an entry for this variant (Variation ID: 30494). This premature translational stop signal has been observed in individual(s) with autosomal recessive ichthyosis, spastic quadriplegia, and intellectual disability (PMID: 22100072). This variant is present in population databases (rs387906916, gnomAD 0.0009%). This sequence change creates a premature translational stop signal (p.Arg216*) in the ELOVL4 gene. While this is not anticipated to result in nonsense mediated decay, it is expected to disrupt the last 99 amino acid(s) of the ELOVL4 protein.

Blueprint Genetics
Classification: Likely pathogenic for ELOVL4-related disorders. Last evaluated: 2022-04-20. Review status: criteria provided, single submitter. Criteria: ACMG Guidelines, 2015. Collection method: clinical testing. Allele origin: germline. Affected: yes. Observed: 3 variant alleles.

OMIM
Classification: Pathogenic for ICHTHYOSIS, SPASTIC QUADRIPLEGIA, AND MENTAL RETARDATION. Last evaluated: 2011-12-09. Review status: no assertion criteria provided. Collection method: literature only. Allele origin: germline. Not counted in ClinVar's aggregate classification.

Literature cited by the submitters: PubMed 11138005 (cited by Labcorp Genetics (formerly Invitae), Labcorp); PubMed 23509295 (cited by Labcorp Genetics (formerly Invitae), Labcorp); PubMed 24833735 (cited by Labcorp Genetics (formerly Invitae), Labcorp); PubMed 22100072 (cited by Labcorp Genetics (formerly Invitae), Labcorp and OMIM).

NM_022726.4(ELOVL4):c.646C>T (p.Arg216Ter)

Gene: ELOVL4 (ELOVL fatty acid elongase 4; minus strand). Cytogenetic location: 6q14.1.
Variant type: single nucleotide variant.
Coding change: c.646C>T on transcript NM_022726.4 (MANE Select); coding-DNA position 646, C replaced by T.
Protein change: p.Arg216Ter; replaces arginine 216 with a stop codon.
Molecular consequence: nonsense.
Genome position (GRCh38, 1-based): chr6:79,919,443, G>A on the plus strand (C>T on the coding strand, the complement: ELOVL4 is on the minus strand). VCF-style: chr6-79919443-G-A. GRCh37 (hg19) VCF-style: chr6-80629160-G-A.
Other names: short protein forms R216*.
Identifiers: ClinVar variation 30494 (VCV000030494.9), dbSNP rs387906916, ClinGen allele CA129278.